The following is an entry in ClinVar:

NM_001159699.2(FHL1):c.683G>C (p.Cys228Ser)

Gene: FHL1 (four and a half LIM domains 1; plus strand). Cytogenetic location: Xq26.3.
Variant type: single nucleotide variant.
Coding change: c.683G>C on transcript NM_001159699.2 (MANE Select); coding-DNA position 683, G replaced by C.
Protein change: p.Cys228Ser; replaces cysteine 228 with serine.
Molecular consequence: missense variant. On other transcripts: non-coding transcript variant (1), intron variant (2).
Genome position (GRCh38, 1-based): chrX:136,208,588, G>C. VCF-style: chrX-136208588-G-C. GRCh37 (hg19) VCF-style: chrX-135290747-G-C.
Other names: c.635G>C, p.Cys212Ser (NM_001159704.1, NM_001167819.1, NM_001369326.1 and 8 more transcripts); c.722G>C, p.Cys241Ser (NM_001159701.2); c.501+627G>C (NM_001159703.2); c.549+627G>C (NM_001330659.2); short protein forms C212S, C228S, C241S.
Identifiers: ClinVar variation 3643779 (VCV003643779.2).

ClinVar aggregate classification (germline): Uncertain significance (1 of 4 stars; one submission).

Conditions:
X-linked myopathy with postural muscle atrophy. Also called: FHL1-Related Emery-Dreifuss Muscular Dystrophy, X-Linked. Identifiers: Orphanet 178461, MedGen C2678055, MONDO:0010401, OMIM 300696.

Submission:

Labcorp Genetics (formerly Invitae), Labcorp
Classification: Uncertain significance for X-linked myopathy with postural muscle atrophy. Last evaluated: 2024-07-06. Review status: criteria provided, single submitter. Criteria: Invitae Variant Classification Sherloc (09022015). Collection method: clinical testing. Allele origin: germline.
Comment: This sequence change replaces cysteine, which is neutral and slightly polar, with serine, which is neutral and polar, at codon 212 of the FHL1 protein (p.Cys212Ser). This variant is not present in population databases (gnomAD no frequency). This variant has not been reported in the literature in individuals affected with FHL1-related conditions. An algorithm developed to predict the effect of missense changes on protein structure and function (PolyPhen-2) suggests that this variant is likely to be disruptive. In summary, the available evidence is currently insufficient to determine the role of this variant in disease. Therefore, it has been classified as a Variant of Uncertain Significance.